The following is an entry in ClinVar:

ClinVar aggregate classification (germline): Uncertain significance (1 of 4 stars; one submission).

Allele frequency attached by ClinVar (database versions not stated): ESP Exome Variant Server 0.00017; TOPMed 0.00020; gnomAD 0.00021 and 0.00023.
gnomAD v4.1: 384 of 1,614,014 alleles (0.024%); highest among the groups gnomAD compares: Non-Finnish European, 0.03%; 1 homozygote.

Submission:

Labcorp Genetics (formerly Invitae), Labcorp
Classification: Uncertain significance. Last evaluated: 2022-08-09. Review status: criteria provided, single submitter. Criteria: Invitae Variant Classification Sherloc (09022015). Collection method: clinical testing. Allele origin: germline.
Comment: This sequence change replaces glycine with valine at codon 671 of the MAP3K20 protein (p.Gly671Val). The glycine residue is moderately conserved and there is a moderate physicochemical difference between glycine and valine. This variant is present in population databases (rs376222255, gnomAD 0.03%). This variant has not been reported in the literature in individuals affected with MAP3K20-related conditions. ClinVar contains an entry for this variant (Variation ID: 1424236). Experimental studies and prediction algorithms are not available or were not evaluated, and the functional significance of this variant is currently unknown. In summary, the available evidence is currently insufficient to determine the role of this variant in disease. Therefore, it has been classified as a Variant of Uncertain Significance.

NM_016653.3(MAP3K20):c.2012G>T (p.Gly671Val)

Genes: MAP3K20 (mitogen-activated protein kinase kinase kinase 20; plus strand), MAP3K20-AS1 (MAP3K20 antisense RNA 1; minus strand). Cytogenetic location: 2q31.1.
Variant type: single nucleotide variant.
Coding change: c.2012G>T on transcript NM_016653.3 (MANE Select); coding-DNA position 2012, G replaced by T.
Protein change: p.Gly671Val; replaces glycine 671 with valine.
Molecular consequence: missense variant.
Genome position (GRCh38, 1-based): chr2:173,266,359, G>T. VCF-style: chr2-173266359-G-T. GRCh37 (hg19) VCF-style: chr2-174131087-G-T.
Other names: short protein forms G671V.
Identifiers: ClinVar variation 1424236 (VCV001424236.3), dbSNP rs376222255, ClinGen allele CA1971011.